The following is an entry in ClinVar:

NM_015627.3(LDLRAP1):c.*803C>T

Gene: LDLRAP1 (low density lipoprotein receptor adaptor protein 1; plus strand). Cytogenetic location: 1p36.11.
Variant type: single nucleotide variant.
Coding change: c.*803C>T on transcript NM_015627.3 (MANE Select); 803 bases downstream of the stop codon, C replaced by T.
Molecular consequence: 3 prime UTR variant.
Genome position (GRCh38, 1-based): chr1:25,567,795, C>T. VCF-style: chr1-25567795-C-T. GRCh37 (hg19) VCF-style: chr1-25894286-C-T.
Identifiers: ClinVar variation 876309 (VCV000876309.4), dbSNP rs371833162, ClinGen allele CA19650706.
Genomic context (GRCh38, chr1:25,567,795, plus strand): 5'-AACCAGTGTAACTGGCTGCTCCCTGCTCCCAGGGACTGACACGGGGATCATCTCTGTGAC[C>T]GCCCTCCGTCGGGCCCCTGCCTGCCTTCTCCCCTCCACGCAAGGCTGTGCTCTTCCTCTG-3'

ClinVar aggregate classification (germline): Likely benign (1 of 4 stars; one submission).

Conditions:
Hypercholesterolemia, familial, 4 (FHCL4). Also called: HYPERCHOLESTEROLEMIA, AUTOSOMAL RECESSIVE, 1; HYPERCHOLESTEROLEMIA, AUTOSOMAL RECESSIVE, 2. Identifiers: Orphanet 391665, MedGen C1863512, MONDO:0011374, OMIM 603813.

Allele frequency attached by ClinVar (database versions not stated): gnomAD 0.00009 and 0.00072; TOPMed 0.00015; 1000 Genomes Project 30x 0.00250; 1000 Genomes Project 0.00280.

Submission:

Illumina Laboratory Services, Illumina
Classification: Likely benign for Hypercholesterolemia, familial, 4. Last evaluated: 2018-01-13. Review status: criteria provided, single submitter. Criteria: ICSL Variant Classification Criteria 13 December 2019. Collection method: clinical testing. Allele origin: germline.
Comment: This variant was observed in the ICSL laboratory as part of a predisposition screen in an ostensibly healthy population. It had not been previously curated by ICSL or reported in the Human Gene Mutation Database (HGMD: prior to June 1st, 2018), and was therefore a candidate for classification through an automated scoring system. Utilizing variant allele frequency, disease prevalence and penetrance estimates, and inheritance mode, an automated score was calculated to assess if this variant is too frequent to cause the disease. Based on the score and internal cut-off values, a variant classified as likely benign is not then subjected to further curation. The score for this variant resulted in a classification of likely benign for this disease.